The following is an entry in ClinVar:

ClinVar aggregate classification (germline): Likely benign (1 of 4 stars; one submission).

gnomAD v4.1: 6 of 1,613,906 alleles (0.00037%); highest among the groups gnomAD compares: South Asian, 0.0033%; no homozygotes.

Submission:

CeGaT Center for Human Genetics Tuebingen
Classification: Likely benign. Last evaluated: 2024-01-01. Review status: criteria provided, single submitter. Criteria: CeGaT Center For Human Genetics Tuebingen Variant Classification Criteria Version 2. Collection method: clinical testing. Allele origin: germline. Affected: yes. Observed: 1 variant allele.
Comment: ANKRD11: BP4

NM_013275.6(ANKRD11):c.3825C>A (p.Asp1275Glu)

Gene: ANKRD11 (ankyrin repeat domain 11; minus strand). Cytogenetic location: 16q24.3.
Variant type: single nucleotide variant.
Coding change: c.3825C>A on transcript NM_013275.6 (MANE Select); coding-DNA position 3825, C replaced by A.
Protein change: p.Asp1275Glu; replaces aspartic acid 1275 with glutamic acid.
Molecular consequence: missense variant.
Genome position (GRCh38, 1-based): chr16:89,282,717, G>T on the plus strand (C>A on the coding strand, the complement: ANKRD11 is on the minus strand). VCF-style: chr16-89282717-G-T. GRCh37 (hg19) VCF-style: chr16-89349125-G-T.
Other names: c.3825C>A, p.Asp1275Glu (NM_001256182.2, NM_001256183.2); short protein forms D1275E.
Identifiers: ClinVar variation 3026866 (VCV003026866.22), dbSNP rs143240956, ClinGen allele CA8242283.